The following is an entry in ClinVar:

NM_001105206.3(LAMA4):c.1294A>G (p.Ser432Gly)

Gene: LAMA4 (laminin subunit alpha 4; minus strand). Cytogenetic location: 6q21.
Variant type: single nucleotide variant.
Coding change: c.1294A>G on transcript NM_001105206.3 (MANE Select); coding-DNA position 1294, A replaced by G.
Protein change: p.Ser432Gly; replaces serine 432 with glycine.
Molecular consequence: missense variant.
Genome position (GRCh38, 1-based): chr6:112,175,376, T>C on the plus strand (A>G on the coding strand, the complement: LAMA4 is on the minus strand). VCF-style: chr6-112175376-T-C. GRCh37 (hg19) VCF-style: chr6-112496578-T-C.
Other names: c.1273A>G, p.Ser425Gly (NM_001105207.3, NM_002290.5); short protein forms S425G, S432G.
Identifiers: ClinVar variation 4096213 (VCV004096213.1).

ClinVar aggregate classification (germline): Uncertain significance (1 of 4 stars; one submission).

Conditions:
Cardiovascular phenotype. Identifiers: MedGen CN230736.

Submission:

Ambry Genetics
Classification: Uncertain significance for Cardiovascular phenotype. Last evaluated: 2025-07-28. Review status: criteria provided, single submitter. Criteria: Ambry Variant Classification Scheme 2023. Collection method: clinical testing. Allele origin: germline.
Comment: The p.S425G variant (also known as c.1273A>G), located in coding exon 10 of the LAMA4 gene, results from an A to G substitution at nucleotide position 1273. The serine at codon 425 is replaced by glycine, an amino acid with similar properties. This amino acid position is conserved. In addition, this alteration is predicted to be tolerated by in silico analysis. Based on the available evidence, the clinical significance of this variant remains unclear.